The following is an entry in ClinVar:

ClinVar aggregate classification (germline): Pathogenic/Likely pathogenic. Review status: criteria provided, multiple submitters, no conflicts (2 of 4 stars). 2 submissions from 2 submitters: Pathogenic (1); Likely pathogenic (1). Last evaluated 2023-08-07.

Conditions:
Autosomal recessive limb-girdle muscular dystrophy type 2E (LGMDR4). Also called: MUSCULAR DYSTROPHY, LIMB-GIRDLE, AUTOSOMAL RECESSIVE 4. Identifiers: Orphanet 119, MedGen C1858593, MONDO:0011423, OMIM 604286. Disease mechanism: Affects gamma-sarcoglycan and also disrupts the integrity of the entire sarcoglycan complex..

Allele frequency attached by ClinVar (database versions not stated): gnomAD exomes below 0.00001 and 0.00001; ExAC 0.00002.
gnomAD v4.1: 3 of 1,612,140 alleles (0.00019%); highest among the groups gnomAD compares: East Asian, 0.0045%; no homozygotes.

Submissions (2):

Labcorp Genetics (formerly Invitae), Labcorp
Classification: Pathogenic for Autosomal recessive limb-girdle muscular dystrophy type 2E. Last evaluated: 2023-08-07. Review status: criteria provided, single submitter. Criteria: Invitae Variant Classification Sherloc (09022015). Collection method: clinical testing. Allele origin: germline.
Comment: This sequence change creates a premature translational stop signal (p.Gln201*) in the SGCB gene. It is expected to result in an absent or disrupted protein product. Loss-of-function variants in SGCB are known to be pathogenic (PMID: 15938573, 18285821). This variant is present in population databases (rs773554421, gnomAD 0.01%). This variant has not been reported in the literature in individuals affected with SGCB-related conditions. ClinVar contains an entry for this variant (Variation ID: 1457210). For these reasons, this variant has been classified as Pathogenic.

Baylor Genetics
Classification: Likely pathogenic for Autosomal recessive limb-girdle muscular dystrophy type 2E. Last evaluated: 2023-06-27. Review status: criteria provided, single submitter. Criteria: ACMG Guidelines, 2015. Collection method: clinical testing. Allele origin: unknown.

Literature cited by the submitters: PubMed 15938573 (cited by Labcorp Genetics (formerly Invitae), Labcorp); PubMed 18285821 (cited by Labcorp Genetics (formerly Invitae), Labcorp).

NM_000232.5(SGCB):c.601C>T (p.Gln201Ter)

Gene: SGCB (sarcoglycan beta; minus strand). Cytogenetic location: 4q12.
Variant type: single nucleotide variant.
Coding change: c.601C>T on transcript NM_000232.5 (MANE Select); coding-DNA position 601, C replaced by T.
Protein change: p.Gln201Ter; replaces glutamine 201 with a stop codon.
Molecular consequence: nonsense.
Genome position (GRCh38, 1-based): chr4:52,028,750, G>A on the plus strand (C>T on the coding strand, the complement: SGCB is on the minus strand). VCF-style: chr4-52028750-G-A. GRCh37 (hg19) VCF-style: chr4-52894916-G-A.
Other names: short protein forms Q201*.
Identifiers: ClinVar variation 1457210 (VCV001457210.9), dbSNP rs773554421, ClinGen allele CA2918360.